The following is an entry in ClinVar:

NM_001195305.3(BBIP1):c.-4T>C

Gene: BBIP1 (BBSome interacting protein 1; minus strand). Cytogenetic location: 10q25.2.
Variant type: single nucleotide variant.
Coding change: c.-4T>C on transcript NM_001195305.3 (MANE Select); 4 bases upstream of the start codon, T replaced by C.
Molecular consequence: 5 prime UTR variant. On other transcripts: intron variant (1).
Genome position (GRCh38, 1-based): chr10:110,918,161, A>G on the plus strand (T>C on the coding strand, the complement: BBIP1 is on the minus strand). VCF-style: chr10-110918161-A-G. GRCh37 (hg19) VCF-style: chr10-112677919-A-G.
Other names: c.-4T>C (NM_001195304.2, NM_001195306.2, NM_001195307.2); c.-30+960T>C (NM_001243783.3).
Identifiers: ClinVar variation 3351660 (VCV003351660.1).

ClinVar aggregate classification (germline): Likely benign (0 of 4 stars; one submission).

Conditions:
BBIP1-related disorder. Also called: BBIP1-related condition.

gnomAD v4.1: 20 of 1,535,672 alleles (0.0013%); highest among the groups gnomAD compares: Non-Finnish European, 0.0017%; no homozygotes.

Submission:

PreventionGenetics, part of Exact Sciences
Classification: Likely benign for BBIP1-related condition. Last evaluated: 2022-07-21. Review status: no assertion criteria provided. Collection method: clinical testing. Allele origin: germline.
Comment: This variant is classified as likely benign based on ACMG/AMP sequence variant interpretation guidelines (Richards et al. 2015 PMID: 25741868, with internal and published modifications).